The following is an entry in ClinVar:

NM_018006.5(TRMU):c.1018+10G>A

Gene: TRMU (tRNA mitochondrial 2-thiouridylase; plus strand). Cytogenetic location: 22q13.31.
Variant type: single nucleotide variant.
Coding change: c.1018+10G>A on transcript NM_018006.5 (MANE Select); 10 bases into the intron after coding-DNA position 1018, G replaced by A.
Molecular consequence: intron variant.
Genome position (GRCh38, 1-based): chr22:46,355,598, G>A. VCF-style: chr22-46355598-G-A. GRCh37 (hg19) VCF-style: chr22-46751495-G-A.
Other names: c.1018+10G>A (NM_018006.4, NM_001282785.2); c.676+10G>A (NM_001282782.2); c.598+10G>A (NM_001282783.2, NM_001282784.2).
Identifiers: ClinVar variation 1117290 (VCV001117290.11), dbSNP rs547903528, ClinGen allele CA10292350.

ClinVar aggregate classification (germline): Likely benign. Review status: criteria provided, multiple submitters, no conflicts (2 of 4 stars). 2 submissions from 2 submitters: Likely benign (2). Last evaluated 2025-08-31.

Conditions:
TRMU-related disorder. Also called: TRMU-related condition.

Allele frequency attached by ClinVar (database versions not stated): gnomAD 0.00001; gnomAD exomes 0.00001; ExAC 0.00002; 1000 Genomes Project 0.00020; 1000 Genomes Project 30x 0.00031; TOPMed below 0.00001.

Submissions (2):

PreventionGenetics, part of Exact Sciences
Classification: Likely benign for TRMU-related condition. Last evaluated: 2025-08-31. Review status: criteria provided, single submitter. Criteria: ACMG Guidelines, 2015. Collection method: clinical testing. Allele origin: germline.
Comment: This variant is classified as likely benign based on ACMG/AMP sequence variant interpretation guidelines (Richards et al. 2015 PMID: 25741868, with internal and published modifications).

Labcorp Genetics (formerly Invitae), Labcorp
Classification: Likely benign. Last evaluated: 2024-03-20. Review status: criteria provided, single submitter. Criteria: Invitae Variant Classification Sherloc (09022015). Collection method: clinical testing. Allele origin: germline.